The following is an entry in ClinVar:

NM_013339.4(ALG6):c.658A>T (p.Lys220Ter)

Gene: ALG6 (ALG6 alpha-1,3-glucosyltransferase; plus strand). Cytogenetic location: 1p31.3.
Variant type: single nucleotide variant.
Coding change: c.658A>T on transcript NM_013339.4 (MANE Select); coding-DNA position 658, A replaced by T.
Protein change: p.Lys220Ter; replaces lysine 220 with a stop codon.
Molecular consequence: nonsense.
Genome position (GRCh38, 1-based): chr1:63,411,309, A>T. VCF-style: chr1-63411309-A-T. GRCh37 (hg19) VCF-style: chr1-63876980-A-T.
Other names: short protein forms K220*.
Identifiers: ClinVar variation 2675728 (VCV002675728.3), dbSNP rs1644514822, ClinGen allele CA340635199.

ClinVar aggregate classification (germline): Pathogenic/Likely pathogenic. Review status: criteria provided, multiple submitters, no conflicts (2 of 4 stars). 2 submissions from 2 submitters: Pathogenic (1); Likely pathogenic (1). Last evaluated 2024-02-22.

Conditions:
ALG6-congenital disorder of glycosylation 1C (CDG1C). Also called: CDG Ic; Congenital disorder of glycosylation, type Ic; Congenital disorder of glycosylation type 1C; CARBOHYDRATE-DEFICIENT GLYCOPROTEIN SYNDROME, TYPE I, WITH DEFICIENT GLYCOSYLATION OF DOLICHOL-LINKED OLIGOSACCHARIDE; CARBOHYDRATE-DEFICIENT GLYCOPROTEIN SYNDROME, TYPE V. Identifiers: Orphanet 79320, MedGen C2930997, MONDO:0011291, OMIM 603147.

Submissions (2):

Labcorp Genetics (formerly Invitae), Labcorp
Classification: Pathogenic for ALG6-congenital disorder of glycosylation 1C. Last evaluated: 2024-02-22. Review status: criteria provided, single submitter. Criteria: Invitae Variant Classification Sherloc (09022015). Collection method: clinical testing. Allele origin: germline.
Comment: This sequence change creates a premature translational stop signal (p.Lys220*) in the ALG6 gene. It is expected to result in an absent or disrupted protein product. Loss-of-function variants in ALG6 are known to be pathogenic (PMID: 19862844). This variant is not present in population databases (gnomAD no frequency). This variant has not been reported in the literature in individuals affected with ALG6-related conditions. For these reasons, this variant has been classified as Pathogenic.

Baylor Genetics
Classification: Likely pathogenic for ALG6-congenital disorder of glycosylation 1C. Last evaluated: 2022-09-08. Review status: criteria provided, single submitter. Criteria: ACMG Guidelines, 2015. Collection method: clinical testing. Allele origin: unknown.

Literature cited by the submitters: PubMed 19862844 (cited by Labcorp Genetics (formerly Invitae), Labcorp).